The following is an entry in ClinVar:

ClinVar aggregate classification (germline): Uncertain significance (1 of 4 stars; one submission).

Allele frequency attached by ClinVar (database versions not stated): gnomAD exomes 0.00001; gnomAD 0.00002; TOPMed 0.00003.
gnomAD v4.1: 12 of 1,604,866 alleles (0.00075%); highest among the groups gnomAD compares: Admixed American, 0.0034%; no homozygotes.

Submission:

Labcorp Genetics (formerly Invitae), Labcorp
Classification: Uncertain significance. Last evaluated: 2023-11-22. Review status: criteria provided, single submitter. Criteria: Invitae Variant Classification Sherloc (09022015). Collection method: clinical testing. Allele origin: germline.
Comment: This sequence change replaces valine, which is neutral and non-polar, with methionine, which is neutral and non-polar, at codon 701 of the LTBP2 protein (p.Val701Met). The frequency data for this variant in the population databases is considered unreliable, as metrics indicate poor data quality at this position in the gnomAD database. This variant has not been reported in the literature in individuals affected with LTBP2-related conditions. ClinVar contains an entry for this variant (Variation ID: 1982010). An algorithm developed to predict the effect of missense changes on protein structure and function (PolyPhen-2) suggests that this variant is likely to be disruptive. In summary, the available evidence is currently insufficient to determine the role of this variant in disease. Therefore, it has been classified as a Variant of Uncertain Significance.

NM_000428.3(LTBP2):c.2101G>A (p.Val701Met)

Gene: LTBP2 (latent transforming growth factor beta binding protein 2; minus strand). Cytogenetic location: 14q24.3.
Variant type: single nucleotide variant.
Coding change: c.2101G>A on transcript NM_000428.3 (MANE Select); coding-DNA position 2101, G replaced by A.
Protein change: p.Val701Met; replaces valine 701 with methionine.
Molecular consequence: missense variant.
Genome position (GRCh38, 1-based): chr14:74,529,009, C>T on the plus strand (G>A on the coding strand, the complement: LTBP2 is on the minus strand). VCF-style: chr14-74529009-C-T. GRCh37 (hg19) VCF-style: chr14-74995712-C-T.
Other names: short protein forms V701M.
Identifiers: ClinVar variation 1982010 (VCV001982010.2), dbSNP rs1293064484, ClinGen allele CA390395509.